The following is an entry in ClinVar:

NM_001366385.1(CARD14):c.2792T>A (p.Met931Lys)

Genes: SGSH (N-sulfoglucosamine sulfohydrolase; minus strand), CARD14 (caspase recruitment domain family member 14; plus strand). Cytogenetic location: 17q25.3.
Variant type: single nucleotide variant.
Coding change: c.2792T>A on transcript NM_001366385.1 (MANE Select); coding-DNA position 2792, T replaced by A.
Protein change: p.Met931Lys; replaces methionine 931 with lysine.
Molecular consequence: missense variant. On other transcripts: non-coding transcript variant (1).
Genome position (GRCh38, 1-based): chr17:80,207,070, T>A. VCF-style: chr17-80207070-T-A. GRCh37 (hg19) VCF-style: chr17-78180869-T-A.
Other names: c.2792T>A, p.Met931Lys (NM_024110.4); short protein forms M931K.
Identifiers: ClinVar variation 1162825 (VCV001162825.9), dbSNP rs773835416, ClinGen allele CA8817452.
Genomic context (GRCh38, chr17:80,207,070, plus strand): 5'-GCACCCTGCACAGGATGGACATCTTCCCCATCGTCATCCACGTCTCTGTCAACGAGAAGA[T>A]GGCAAAGAAGCTCAAGTAGGTGCACGCTGGGGGCTGGGCAGGGGCTTCGAAGCGGCTCCT-3'
Protein context (NP_001353314.1, residues 921-941): IVIHVSVNEK[Met931Lys]AKKLKKGLQR

ClinVar aggregate classification (germline): Uncertain significance. Review status: criteria provided, multiple submitters, no conflicts (2 of 4 stars). 2 submissions from 2 submitters: Uncertain significance (2). Last evaluated 2025-10-14.

Conditions:
Pityriasis rubra pilaris (PRP). Also called: Pityriasis rubra pilaris--familial type. Identifiers: Orphanet 2897, MedGen C0032027, MONDO:0100017, OMIM 173200, MONDO:0008251.
Psoriasis 2. Identifiers: MedGen C1864497, MONDO:0011269, OMIM 602723.

Allele frequency attached by ClinVar (database versions not stated): gnomAD exomes below 0.00001 and 0.00001; ExAC 0.00001; gnomAD 0.00001; TOPMed 0.00001.
gnomAD v4.1: 9 of 1,613,566 alleles (0.00056%); highest among the groups gnomAD compares: Non-Finnish European, 0.00068%; no homozygotes.

Submissions (2):

Labcorp Genetics (formerly Invitae), Labcorp
Classification: Uncertain significance for Pityriasis rubra pilaris; Psoriasis 2. Last evaluated: 2025-10-14. Review status: criteria provided, single submitter. Criteria: Invitae Variant Classification Sherloc (09022015). Collection method: clinical testing. Allele origin: germline.
Comment: This sequence change replaces methionine, which is neutral and non-polar, with lysine, which is basic and polar, at codon 931 of the CARD14 protein (p.Met931Lys). This variant is present in population databases (rs773835416, gnomAD 0.0009%). This variant has not been reported in the literature in individuals affected with CARD14-related conditions. ClinVar contains an entry for this variant (Variation ID: 1162825). Invitae Evidence Modeling of protein sequence and biophysical properties (such as structural, functional, and spatial information, amino acid conservation, physicochemical variation, residue mobility, and thermodynamic stability) indicates that this missense variant is not expected to disrupt CARD14 protein function with a negative predictive value of 95%. In summary, the available evidence is currently insufficient to determine the role of this variant in disease. Therefore, it has been classified as a Variant of Uncertain Significance.

Mayo Clinic Laboratories, Mayo Clinic
Classification: Uncertain significance. Last evaluated: 2021-02-02. Review status: criteria provided, single submitter. Criteria: ACMG Guidelines, 2015. Collection method: clinical testing. Allele origin: germline. Observed: 1 variant allele.